The following is an entry in ClinVar:

ClinVar aggregate classification (germline): Likely benign (1 of 4 stars; one submission).

Allele frequency attached by ClinVar (database versions not stated): ExAC 0.00001; gnomAD exomes 0.00001.

Submission:

CeGaT Center for Human Genetics Tuebingen
Classification: Likely benign. Last evaluated: 2022-06-01. Review status: criteria provided, single submitter. Criteria: CeGaT Center For Human Genetics Tuebingen Variant Classification Criteria Version 2. Collection method: clinical testing. Allele origin: germline. Affected: yes. Observed: 1 variant allele.
Comment: HYDIN: BP4

NM_001270974.2(HYDIN):c.11306G>A (p.Arg3769Gln)

Gene: HYDIN (HYDIN axonemal central pair apparatus protein; minus strand). Cytogenetic location: 16q22.2.
Variant type: single nucleotide variant.
Coding change: c.11306G>A on transcript NM_001270974.2 (MANE Select); coding-DNA position 11306, G replaced by A.
Protein change: p.Arg3769Gln; replaces arginine 3769 with glutamine.
Molecular consequence: missense variant.
Genome position (GRCh38, 1-based): chr16:70,868,574, C>T on the plus strand (G>A on the coding strand, the complement: HYDIN is on the minus strand). VCF-style: chr16-70868574-C-T. GRCh37 (hg19) VCF-style: chr16-70902477-C-T.
Other names: short protein forms R3769Q.
Identifiers: ClinVar variation 2646711 (VCV002646711.24), dbSNP rs772896642, ClinGen allele CA8149053.